The following is an entry in ClinVar:

ClinVar aggregate classification (germline): Uncertain significance (1 of 4 stars; one submission).

gnomAD v4.1: 1 of 1,614,170 alleles (0.000062%); highest among the groups gnomAD compares: East Asian, 0.0022%; no homozygotes.

Submission:

CeGaT Center for Human Genetics Tuebingen
Classification: Uncertain significance. Last evaluated: 2024-04-01. Review status: criteria provided, single submitter. Criteria: CeGaT Center For Human Genetics Tuebingen Variant Classification Criteria Version 2. Collection method: clinical testing. Allele origin: germline. Affected: yes. Observed: 2 variant alleles.
Comment: ADNP: PM2, BP4

NM_001282531.3(ADNP):c.955G>A (p.Val319Ile)

Gene: ADNP (activity dependent neuroprotector homeobox; minus strand). Cytogenetic location: 20q13.13.
Variant type: single nucleotide variant.
Coding change: c.955G>A on transcript NM_001282531.3 (MANE Select); coding-DNA position 955, G replaced by A.
Protein change: p.Val319Ile; replaces valine 319 with isoleucine.
Molecular consequence: missense variant.
Genome position (GRCh38, 1-based): chr20:50,893,759, C>T on the plus strand (G>A on the coding strand, the complement: ADNP is on the minus strand). VCF-style: chr20-50893759-C-T. GRCh37 (hg19) VCF-style: chr20-49510296-C-T.
Other names: c.955G>A, p.Val319Ile (NM_001282532.2, NM_001347511.2, NM_015339.5 and 1 more transcripts); short protein forms V319I.
Identifiers: ClinVar variation 3239387 (VCV003239387.19), dbSNP rs543478429.